The following is an entry in ClinVar:

NM_175914.5(HNF4A):c.794C>A (p.Ala265Asp)

Gene: HNF4A (hepatocyte nuclear factor 4 alpha; plus strand). Cytogenetic location: 20q13.12.
Variant type: single nucleotide variant.
Coding change: c.794C>A on transcript NM_175914.5 (MANE Select); coding-DNA position 794, C replaced by A.
Protein change: p.Ala265Asp; replaces alanine 265 with aspartic acid.
Molecular consequence: missense variant.
Genome position (GRCh38, 1-based): chr20:44,419,844, C>A. VCF-style: chr20-44419844-C-A. GRCh37 (hg19) VCF-style: chr20-43048484-C-A.
Other names: c.860C>A, p.Ala287Asp (NM_000457.6, NM_178849.3, NM_178850.3); c.794C>A, p.Ala265Asp (NM_001030003.3, NM_001030004.3); c.839C>A, p.Ala280Asp (NM_001258355.2); c.785C>A, p.Ala262Asp (NM_001287182.2, NM_001287183.2, NM_001287184.2); short protein forms A262D, A265D, A280D, A287D.
Identifiers: ClinVar variation 1172849 (VCV001172849.3), dbSNP rs746602886, ClinGen allele CA409107581.

ClinVar aggregate classification (germline): Uncertain significance. Review status: criteria provided, multiple submitters, no conflicts (2 of 4 stars). 2 submissions from 2 submitters: Uncertain significance (2). Last evaluated 2024-04-03.

Submissions (2):

Labcorp Genetics (formerly Invitae), Labcorp
Classification: Uncertain significance. Last evaluated: 2024-04-03. Review status: criteria provided, single submitter. Criteria: Invitae Variant Classification Sherloc (09022015). Collection method: clinical testing. Allele origin: germline.
Comment: This sequence change replaces alanine, which is neutral and non-polar, with aspartic acid, which is acidic and polar, at codon 265 of the HNF4A protein (p.Ala265Asp). This variant is not present in population databases (gnomAD no frequency). This variant has not been reported in the literature in individuals affected with HNF4A-related conditions. ClinVar contains an entry for this variant (Variation ID: 1172849). Advanced modeling of protein sequence and biophysical properties (such as structural, functional, and spatial information, amino acid conservation, physicochemical variation, residue mobility, and thermodynamic stability) has been performed at Invitae for this missense variant, however the output from this modeling did not meet the statistical confidence thresholds required to predict the impact of this variant on HNF4A protein function. In summary, the available evidence is currently insufficient to determine the role of this variant in disease. Therefore, it has been classified as a Variant of Uncertain Significance.

Women's Health and Genetics/Laboratory Corporation of America, LabCorp
Classification: Uncertain significance. Last evaluated: 2021-05-26. Review status: criteria provided, single submitter. Criteria: LabCorp Variant Classification Summary - May 2015. Collection method: clinical testing. Allele origin: germline.
Comment: Variant summary: HNF4A c.794C>A (p.Ala265Asp) results in a non-conservative amino acid change located in the Nuclear hormone receptor, ligand-binding domain (IPR000536) of the encoded protein sequence. Five of five in-silico tools predict a damaging effect of the variant on protein function. The variant was absent in 251482 control chromosomes. The available data on variant occurrences in the general population are insufficient to allow any conclusion about variant significance. To our knowledge, no occurrence of c.794C>A in individuals affected with Maturity Onset Diabetes Of The Young 1/Neonatal Diabetes Mellitus and no experimental evidence demonstrating its impact on protein function have been reported. No clinical diagnostic laboratories have submitted clinical-significance assessments for this variant to ClinVar after 2014. Based on the evidence outlined above, the variant was classified as uncertain significance.